The following is an entry in ClinVar:

ClinVar aggregate classification (germline): Uncertain significance (1 of 4 stars; one submission).

Conditions:
Autosomal recessive limb-girdle muscular dystrophy type 2F (LGMDR6). Also called: Muscular dystrophy limb-girdle with delta-sarcoglyan deficiency; MUSCULAR DYSTROPHY, LIMB-GIRDLE, AUTOSOMAL RECESSIVE 6. Identifiers: Orphanet 219, MedGen C1832525, MONDO:0011028, OMIM 601287. Disease mechanism: Affects gamma-sarcoglycan and also disrupts the integrity of the entire sarcoglycan complex..

Allele frequency attached by ClinVar (database versions not stated): gnomAD exomes below 0.00001.
gnomAD v4.1: 1 of 1,611,986 alleles (0.000062%); highest among the groups gnomAD compares: Non-Finnish European, 0.000085%; no homozygotes.

Submission:

Labcorp Genetics (formerly Invitae), Labcorp
Classification: Uncertain significance for Autosomal recessive limb-girdle muscular dystrophy type 2F. Last evaluated: 2022-07-19. Review status: criteria provided, single submitter. Criteria: Invitae Variant Classification Sherloc (09022015). Collection method: clinical testing. Allele origin: germline.
Comment: In summary, the available evidence is currently insufficient to determine the role of this variant in disease. Therefore, it has been classified as a Variant of Uncertain Significance. Algorithms developed to predict the effect of missense changes on protein structure and function are either unavailable or do not agree on the potential impact of this missense change (SIFT: "Deleterious"; PolyPhen-2: "Probably Damaging"; Align-GVGD: "Class C0"). ClinVar contains an entry for this variant (Variation ID: 1352482). This variant has not been reported in the literature in individuals affected with SGCD-related conditions. This variant is not present in population databases (gnomAD no frequency). This sequence change replaces valine, which is neutral and non-polar, with methionine, which is neutral and non-polar, at codon 157 of the SGCD protein (p.Val157Met).

NM_000337.6(SGCD):c.469G>A (p.Val157Met)

Gene: SGCD (sarcoglycan delta; plus strand). Cytogenetic location: 5q33.3.
Variant type: single nucleotide variant.
Coding change: c.469G>A on transcript NM_000337.6 (MANE Select); coding-DNA position 469, G replaced by A.
Protein change: p.Val157Met; replaces valine 157 with methionine.
Molecular consequence: missense variant.
Genome position (GRCh38, 1-based): chr5:156,595,018, G>A. VCF-style: chr5-156595018-G-A. GRCh37 (hg19) VCF-style: chr5-156022028-G-A.
Other names: c.466G>A, p.Val156Met (NM_001128209.2); c.469G>A, p.Val157Met (NM_172244.3); short protein forms V156M, V157M.
Identifiers: ClinVar variation 1352482 (VCV001352482.7), dbSNP rs2113389554, ClinGen allele CA362010695.